The following is an entry in ClinVar:

ClinVar aggregate classification (germline): Pathogenic. Review status: criteria provided, single submitter (1 of 4 stars). 2 submissions from 2 submitters: Pathogenic (1). 1 of the submissions does not count toward it. Last evaluated 2024-02-23.

Conditions:
Seizures, benign familial neonatal, 2. Also called: Benign Neonatal Epilepsy 2; CONVULSIONS, BENIGN FAMILIAL NEONATAL, 2; Seizures, benign neonatal, 2; KCNQ3-Related Self-Limited Familial Neonatal Epilepsy (SLFNE); KCNQ3-Related Benign Familial Neonatal Epilepsy. Identifiers: Orphanet 1949, MedGen C1852581, MONDO:0007366, OMIM 121201.
Benign neonatal seizures. Also called: Benign neonatal familial convulsions; Benign familial neonatal seizures; Convulsions benign familial neonatal dominant form; Autosomal dominant form of benign neonatal seizures; Benign familial neonatal epilepsy. Identifiers: Orphanet 1949, MedGen C0220669, MONDO:0016027.

Submissions (2):

Labcorp Genetics (formerly Invitae), Labcorp
Classification: Pathogenic for Benign neonatal seizures. Last evaluated: 2024-02-23. Review status: criteria provided, single submitter. Criteria: Invitae Variant Classification Sherloc (09022015). Collection method: clinical testing. Allele origin: germline.
Comment: This sequence change replaces arginine, which is basic and polar, with leucine, which is neutral and non-polar, at codon 330 of the KCNQ3 protein (p.Arg330Leu). This variant is not present in population databases (gnomAD no frequency). This missense change has been observed in individual(s) with clinical features of autosomal dominant KCNQ3-related conditions (PMID: 25524373). It has also been observed to segregate with disease in related individuals. ClinVar contains an entry for this variant (Variation ID: 1334436). Advanced modeling of protein sequence and biophysical properties (such as structural, functional, and spatial information, amino acid conservation, physicochemical variation, residue mobility, and thermodynamic stability) performed at Invitae indicates that this missense variant is expected to disrupt KCNQ3 protein function with a positive predictive value of 80%. Experimental studies have shown that this missense change affects KCNQ3 function (PMID: 25524373). This variant disrupts the p.Arg330 amino acid residue in KCNQ3. Other variant(s) that disrupt this residue have been determined to be pathogenic (PMID: 18249525, 23146207). This suggests that this residue is clinically significant, and that variants that disrupt this residue are likely to be disease-causing. For these reasons, this variant has been classified as Pathogenic.

GeneReviews
No classification provided. Condition: Seizures, benign familial neonatal, 2. Review status: no classification provided. Collection method: literature only. Allele origin: germline. Not counted in ClinVar's aggregate classification.
Comment: Moderate psychomotor delay in several family members

Literature cited by the submitters: PubMed 25524373 (cited by Labcorp Genetics (formerly Invitae), Labcorp and GeneReviews); PubMed 18249525 (cited by Labcorp Genetics (formerly Invitae), Labcorp); PubMed 23146207 (cited by Labcorp Genetics (formerly Invitae), Labcorp); NCBI Bookshelf NBK201978 (cited by GeneReviews).

NM_004519.4(KCNQ3):c.989G>T (p.Arg330Leu)

Gene: KCNQ3 (potassium voltage-gated channel subfamily Q member 3; minus strand). Cytogenetic location: 8q24.22.
Variant type: single nucleotide variant.
Coding change: c.989G>T on transcript NM_004519.4 (MANE Select); coding-DNA position 989, G replaced by T.
Protein change: p.Arg330Leu; replaces arginine 330 with leucine.
Molecular consequence: missense variant.
Genome position (GRCh38, 1-based): chr8:132,174,294, C>A on the plus strand (G>T on the coding strand, the complement: KCNQ3 is on the minus strand). VCF-style: chr8-132174294-C-A. GRCh37 (hg19) VCF-style: chr8-133186541-C-A.
Other names: c.629G>T, p.Arg210Leu (NM_001204824.2); short protein forms R210L, R330L.
Identifiers: ClinVar variation 1334436 (VCV001334436.8), dbSNP rs1162306056, ClinGen allele CA372290155.